The following is an entry in ClinVar:

NM_001283009.2(RTEL1):c.3661C>T (p.His1221Tyr)

Genes: RTEL1 (regulator of telomere elongation helicase 1; plus strand), RTEL1-TNFRSF6B (RTEL1-TNFRSF6B readthrough (NMD candidate); plus strand). Cytogenetic location: 20q13.33.
Variant type: single nucleotide variant.
Coding change: c.3661C>T on transcript NM_001283009.2 (MANE Select); coding-DNA position 3661, C replaced by T.
Protein change: p.His1221Tyr; replaces histidine 1221 with tyrosine.
Molecular consequence: missense variant. On other transcripts: non-coding transcript variant (1), intron variant (3).
Genome position (GRCh38, 1-based): chr20:63,695,489, C>T. VCF-style: chr20-63695489-C-T. GRCh37 (hg19) VCF-style: chr20-62326842-C-T.
Other names: c.2983+9C>T (NM_001283010.1); c.3724+9C>T (NM_032957.5); c.3652+9C>T (NM_016434.4); short protein forms H1221Y.
Identifiers: ClinVar variation 3435989 (VCV003435989.1).

ClinVar aggregate classification (germline): Uncertain significance (1 of 4 stars; one submission).

Conditions:
Inborn genetic diseases. Identifiers: MedGen C0950123, MeSH D030342.

gnomAD v4.1: 6 of 1,609,716 alleles (0.00037%); highest among the groups gnomAD compares: South Asian, 0.0055%; no homozygotes.

Submission:

Ambry Genetics
Classification: Uncertain significance for Inborn genetic diseases. Last evaluated: 2024-11-27. Review status: criteria provided, single submitter. Criteria: Ambry Variant Classification Scheme 2023. Collection method: clinical testing. Allele origin: germline.
Comment: The p.H1221Y variant (also known as c.3661C>T), located in coding exon 33 of the RTEL1 gene, results from a C to T substitution at nucleotide position 3661. The histidine at codon 1221 is replaced by tyrosine, an amino acid with similar properties. This amino acid position is conserved. In addition, this alteration is predicted to be tolerated by in silico analysis. Based on the available evidence, the clinical significance of this variant remains unclear.